The following is an entry in ClinVar:

ClinVar aggregate classification (germline): Uncertain significance (1 of 4 stars; one submission).

Conditions:
Retinoblastoma (RB1). Also called: RETINOBLASTOMA, SOMATIC. Identifiers: Orphanet 790, MedGen C0035335, MeSH D012175, MONDO:0008380, OMIM 180200, HP:0009919. Disease mechanism: loss of function. Inheritance: Both sporadic and heritable forms are tested..

Submission:

St. Jude Molecular Pathology, St. Jude Children's Research Hospital
Classification: Uncertain significance for Retinoblastoma. Last evaluated: 2026-10-01. Review status: criteria provided, single submitter. Criteria: St. Jude Assertion Criteria 2020. Collection method: clinical testing. Allele origin: germline.
Comment: The RB1 c.602C>A p.(Ala201Asp) missense change is absent in gnomAD v2.1.1. The in silico tool REVEL predicts a deleterious effect on protein function, but to our knowledge this prediction has not been confirmed by functional studies. Additionally, another m issense variant at the same amino acid residue, p.A201P, has been reported to be de novo in an individual with retinoblastoma (PMID: 30996590). In summary, the evidence currently available is insufficient to determine the clinical significance of this va riant. It has therefore been classified as of uncertain significance.

NM_000321.3(RB1):c.602C>A (p.Ala201Asp)

Gene: RB1 (RB transcriptional corepressor 1; plus strand). Cytogenetic location: 13q14.2.
Variant type: single nucleotide variant.
Coding change: c.602C>A on transcript NM_000321.3 (MANE Select); coding-DNA position 602, C replaced by A.
Protein change: p.Ala201Asp; replaces alanine 201 with aspartic acid.
Molecular consequence: missense variant.
Genome position (GRCh38, 1-based): chr13:48,349,018, C>A. VCF-style: chr13-48349018-C-A. GRCh37 (hg19) VCF-style: chr13-48923154-C-A.
Other names: c.602C>A, p.Ala201Asp (NM_001407165.1, NM_001407166.1); short protein forms A201D.
Identifiers: ClinVar variation 5038394 (VCV005038394.1).